The following is an entry in ClinVar:

NM_000212.3(ITGB3):c.521A>G (p.Asn174Ser)

Gene: ITGB3 (integrin subunit beta 3; plus strand). Cytogenetic location: 17q21.32.
Variant type: single nucleotide variant.
Coding change: c.521A>G on transcript NM_000212.3 (MANE Select); coding-DNA position 521, A replaced by G.
Protein change: p.Asn174Ser; replaces asparagine 174 with serine.
Molecular consequence: missense variant.
Genome position (GRCh38, 1-based): chr17:47,284,602, A>G. VCF-style: chr17-47284602-A-G. GRCh37 (hg19) VCF-style: chr17-45361968-A-G.
Other names: short protein forms N174S.
Identifiers: ClinVar variation 4994438 (VCV004994438.1).

ClinVar aggregate classification (germline): Uncertain significance (1 of 4 stars; one submission).

Conditions:
ITGB3-related disorder. Also called: ITGB3-related condition.

Submission:

PreventionGenetics, part of Exact Sciences
Classification: Uncertain significance for ITGB3-related condition. Last evaluated: 2026-05-18. Review status: criteria provided, single submitter. Criteria: ACMG Guidelines, 2015. Collection method: clinical testing. Allele origin: germline.
Comment: The ITGB3 c.521A>G variant is predicted to result in the amino acid substitution p.Asn174Ser. To our knowledge, this variant has not been reported in the literature or in a large population database (gnomAD), indicating this variant is rare. At this time, the clinical significance of this variant is uncertain due to the absence of conclusive functional and genetic evidence.